The following is an entry in ClinVar:

NM_000179.3(MSH6):c.2608A>T (p.Lys870Ter)

Gene: MSH6 (mutS homolog 6; plus strand). Cytogenetic location: 2p16.3.
Variant type: single nucleotide variant.
Coding change: c.2608A>T on transcript NM_000179.3 (MANE Select); coding-DNA position 2608, A replaced by T.
Protein change: p.Lys870Ter; replaces lysine 870 with a stop codon.
Molecular consequence: nonsense. On other transcripts: non-coding transcript variant (5), intron variant (3).
Genome position (GRCh38, 1-based): chr2:47,800,591, A>T. VCF-style: chr2-47800591-A-T. GRCh37 (hg19) VCF-style: chr2-48027730-A-T.
Other names: c.2218A>T, p.Lys740Ter (NM_001281492.2); c.1702A>T, p.Lys568Ter (NM_001281493.2, NM_001281494.2, NM_001406811.1 and 6 more transcripts); c.2704A>T, p.Lys902Ter (NM_001406795.1, NM_001406802.1); c.2608A>T, p.Lys870Ter (NM_001406796.1, NM_001406798.1, NM_001406800.1 and 2 more transcripts); c.2311A>T, p.Lys771Ter (NM_001406797.1, NM_001406801.1, NM_001406805.1 and 10 more transcripts); c.2083A>T, p.Lys695Ter (NM_001406799.1, NM_001406806.1, NM_001406807.1); c.2530A>T, p.Lys844Ter (NM_001406804.1); c.2614A>T, p.Lys872Ter (NM_001406813.1); and 4 more; short protein forms K568*, K695*, K740*, K771*, K814*, K844*, K870*, K872*.
Identifiers: ClinVar variation 2673751 (VCV002673751.1), dbSNP rs1310418564, ClinGen allele CA346754967.

ClinVar aggregate classification (germline): Pathogenic (1 of 4 stars; one submission).

Conditions:
Lynch syndrome 5 (LYNCH5). Also called: Colorectal cancer, hereditary nonpolyposis, type 5; Hereditary non-polyposis colorectal cancer, type 5. Identifiers: Orphanet 144, MedGen C1833477, MONDO:0013710, OMIM 614350. Disease mechanism: loss of function.

Submission:

Myriad Genetics, Inc.
Classification: Pathogenic for Lynch syndrome 5. Last evaluated: 2023-08-17. Review status: criteria provided, single submitter. Criteria: Myriad Autosomal Dominant, Autosomal Recessive and X-Linked Classification Criteria (2023). Collection method: clinical testing. Allele origin: unknown.
Comment: This variant is considered pathogenic. This variant creates a termination codon and is predicted to result in premature protein truncation.